The following is an entry in ClinVar:

NM_004750.5(CRLF1):c.642C>A (p.Thr214=)

Gene: CRLF1 (cytokine receptor like factor 1; minus strand). Cytogenetic location: 19p13.11.
Variant type: single nucleotide variant.
Coding change: c.642C>A on transcript NM_004750.5 (MANE Select); coding-DNA position 642, C replaced by A.
Protein change: p.Thr214=; no amino-acid change (threonine 214 retained).
Molecular consequence: synonymous variant.
Genome position (GRCh38, 1-based): chr19:18,598,487, G>T on the plus strand (C>A on the coding strand, the complement: CRLF1 is on the minus strand). VCF-style: chr19-18598487-G-T. GRCh37 (hg19) VCF-style: chr19-18709297-G-T.
Identifiers: ClinVar variation 3898673 (VCV003898673.7).

ClinVar aggregate classification (germline): Likely benign (1 of 4 stars; one submission).

Submission:

CeGaT Center for Human Genetics Tuebingen
Classification: Likely benign. Last evaluated: 2025-04-01. Review status: criteria provided, single submitter. Criteria: CeGaT Center For Human Genetics Tuebingen Variant Classification Criteria Version 2. Collection method: clinical testing. Allele origin: germline. Affected: yes. Observed: 1 variant allele.
Comment: CRLF1: PM2:Supporting, BP4, BP7